The following is an entry in ClinVar:

NM_000035.4(ALDOB):c.803T>A (p.Ile268Asn)

Gene: ALDOB (aldolase, fructose-bisphosphate B; minus strand). Cytogenetic location: 9q31.1.
Variant type: single nucleotide variant.
Coding change: c.803T>A on transcript NM_000035.4 (MANE Select); coding-DNA position 803, T replaced by A.
Protein change: p.Ile268Asn; replaces isoleucine 268 with asparagine.
Molecular consequence: missense variant.
Genome position (GRCh38, 1-based): chr9:101,425,039, A>T on the plus strand (T>A on the coding strand, the complement: ALDOB is on the minus strand). VCF-style: chr9-101425039-A-T. GRCh37 (hg19) VCF-style: chr9-104187321-A-T.
Other names: short protein forms I268N.
Identifiers: ClinVar variation 5007367 (VCV005007367.2).

ClinVar aggregate classification (germline): Uncertain significance (1 of 4 stars; one submission).

Conditions:
Hereditary fructosuria. Also called: Fructose intolerance; ALDOB DEFICIENCY; ALDOLASE B DEFICIENCY; FRUCTOSE-1,6-BISPHOSPHATE ALDOLASE B DEFICIENCY; FRUCTOSE-1-PHOSPHATE ALDOLASE DEFICIENCY; FRUCTOSEMIA. Identifiers: Orphanet 469, MedGen C0016751, MONDO:0009249, OMIM 229600, HP:0005973. Disease mechanism: loss of function.

gnomAD v4.1: 3 of 1,614,198 alleles (0.00019%); highest among the groups gnomAD compares: East Asian, 0.0067%; no homozygotes.

Submission:

Juno Genomics, Hangzhou Juno Genomics, Inc
Classification: Uncertain significance for Hereditary fructosuria. Review status: criteria provided, single submitter. Criteria: ACMG Guidelines, 2015. Collection method: clinical testing. Allele origin: germline.
Comment: Absent from controls (or at extremely low frequency if recessive) in Genome Aggregation Database.;Multiple lines of computational evidence support a deleterious effect on the gene or gene product.